The following is an entry in ClinVar:

ClinVar aggregate classification (germline): Uncertain significance (0 of 4 stars; one submission).

Conditions:
Carcinoma of colon (CRC). Also called: Colonic carcinoma; Colon carcinoma. Identifiers: MedGen C0699790, MONDO:0002032.

Submission:

Immunobiology Lab; University of Kashmir
Classification: Uncertain significance for Carcinoma of colon. Last evaluated: 2014-05-07. Review status: no assertion criteria provided. Collection method: case-control. Allele origin: somatic. Affected: yes. Study: Mutational Hotspot profiling of Tyrosine Kinase domain of VEGF receptors in Human colorectal tumors.
Comment: The variation(s) were confirmed by double pass sequencing of PCR products amplified from genomic DNA of colonic lesions fron colorectal patients

NM_182925.5(FLT4):c.3056del (p.Phe1019fs)

Gene: FLT4 (fms related receptor tyrosine kinase 4; minus strand). Cytogenetic location: 5q35.3.
Variant type: Deletion.
Coding change: c.3056del on transcript NM_182925.5 (MANE Select); coding-DNA position 3056, one base deleted (T; older notation c.3056delT).
Protein change: p.Phe1019fs; shifts the reading frame from phenylalanine 1019.
Molecular consequence: frameshift variant.
Genome position (GRCh38, 1-based): chr5:180,616,940, A deleted on the plus strand (T on the coding strand, the reverse complement: FLT4 is on the minus strand); the first of 2 consecutive A bases (chr5:180,616,940-180,616,941); deleting either gives the same sequence. VCF-style (leftmost placement, unchanged base first): chr5-180616939-GA-G. GRCh37 (hg19) VCF-style: chr5-180043939-GA-G.
Other names: KP684486; c.3056del, p.Phe1019fs (NM_001354989.2, NM_002020.5); short protein forms F1019fs.
Identifiers: ClinVar variation 204357 (VCV000204357.3), dbSNP rs796052113, ClinGen allele CA251298.